The following is an entry in ClinVar:

ClinVar aggregate classification (germline): Uncertain significance (1 of 4 stars; one submission).

Submission:

GeneDx
Classification: Uncertain significance. Last evaluated: 2026-04-14. Review status: criteria provided, single submitter. Criteria: GeneDx Variant Classification Process June 2021. Collection method: clinical testing. Allele origin: germline.
Comment: Not observed at significant frequency in large population cohorts (gnomAD); In silico analysis suggests that this missense variant does not alter protein structure/function; Has not been previously published as pathogenic or benign to our knowledge

NM_194248.3(OTOF):c.469C>T (p.Arg157Trp)

Gene: OTOF (otoferlin; minus strand). Cytogenetic location: 2p23.3.
Variant type: single nucleotide variant.
Coding change: c.469C>T on transcript NM_194248.3 (MANE Select); coding-DNA position 469, C replaced by T.
Protein change: p.Arg157Trp; replaces arginine 157 with tryptophan.
Molecular consequence: missense variant.
Genome position (GRCh38, 1-based): chr2:26,516,458, G>A on the plus strand (C>T on the coding strand, the complement: OTOF is on the minus strand). VCF-style: chr2-26516458-G-A. GRCh37 (hg19) VCF-style: chr2-26739326-G-A.
Other names: c.469C>T, p.Arg157Trp (NM_001287489.2); short protein forms R157W.
Identifiers: ClinVar variation 5037028 (VCV005037028.1).
Genomic context (GRCh38, chr2:26,516,458, plus strand): 5'-AGAGGGGTCCTGCCTGTTACCTCCGGAAGCTCTTCTCTCCTGGGGGCCGGGAGCTGGGCC[G>A]GGAGCCTGGGAGCAGTCCATCCGTCTCTTGGCTGTCCTTCTCTTCCTCTTGAAGAGACTC-3'
Protein context (NP_919224.1, residues 147-167): QETDGLLPGS[Arg157Trp]PSSRPPGEKS